The following is an entry in ClinVar:

ClinVar aggregate classification (germline): Likely benign. Review status: criteria provided, multiple submitters, no conflicts (2 of 4 stars). 9 submissions from 9 submitters: Likely benign (5). 4 of the submissions do not count toward it. Last evaluated 2026-01-21.

Conditions:
KMT2D-related disorder. Also called: KMT2D-Related Disorders.
Kabuki syndrome. Also called: NIIKAWA-KUROKI SYNDROME; Kabuki make-up syndrome. Identifiers: Orphanet 2322, MedGen C0796004, MONDO:0016512.
Kabuki syndrome 1 (KABUK1). Also called: KMT2D-Related Kabuki Syndrome. Identifiers: Orphanet 2322, MedGen CN030661, MONDO:0007843, OMIM 147920.

Allele frequency attached by ClinVar (database versions not stated): TOPMed 0.00019; gnomAD 0.00025 and 0.00026; 1000 Genomes Project 30x 0.00031; 1000 Genomes Project 0.00040.

Submissions (9):

Labcorp Genetics (formerly Invitae), Labcorp
Classification: Likely benign for Kabuki syndrome. Last evaluated: 2026-01-21. Review status: criteria provided, single submitter. Criteria: Invitae Variant Classification Sherloc (09022015). Collection method: clinical testing. Allele origin: germline.

CeGaT Center for Human Genetics Tuebingen
Classification: Likely benign. Last evaluated: 2025-02-01. Review status: criteria provided, single submitter. Criteria: CeGaT Center For Human Genetics Tuebingen Variant Classification Criteria Version 2. Collection method: clinical testing. Allele origin: germline. Affected: yes. Observed: 2 variant alleles.
Comment: KMT2D: BS1

Genetic Services Laboratory, University of Chicago
Classification: Likely benign. Last evaluated: 2021-11-05. Review status: criteria provided, single submitter. Criteria: ACMG Guidelines, 2015. Collection method: clinical testing. Allele origin: germline. Affected: no.
Comment: DNA sequence analysis of the KMT2D gene demonstrated a sequence change, c.6437C>T, in exon 31 that results in an amino acid change, p.Pro2146Leu. This sequence change does not appear to have been previously described in individuals with KMT2D-related disorders and has been described in the gnomAD database with a frequency of 0.029% in the European sub-population (dbSNP rs563981206). The p.Pro2146Leu change affects a moderately conserved amino acid residue located in a domain of the KMT2D protein that is not known to be functional. In-silico pathogenicity prediction tools (SIFT, PolyPhen2, Align GVGD, REVEL) provide contradictory results for the p.Pro2146Leu substitution.

GeneDx
Classification: Likely benign. Last evaluated: 2021-02-09. Review status: criteria provided, single submitter. Criteria: GeneDx Variant Classification Process June 2021. Collection method: clinical testing. Allele origin: germline. Affected: yes.
Comment: This variant is associated with the following publications: (PMID: 30459467)

Center for Human Genetics, Inc
Classification: Likely benign for Kabuki syndrome 1. Last evaluated: 2016-11-01. Review status: criteria provided, single submitter. Criteria: ACMG Guidelines, 2015. Collection method: clinical testing. Allele origin: germline. Affected: yes.

PreventionGenetics, part of Exact Sciences
Classification: Likely benign for KMT2D-related condition. Last evaluated: 2023-12-11. Review status: no assertion criteria provided. Collection method: clinical testing. Allele origin: germline. Not counted in ClinVar's aggregate classification.
Comment: This variant is classified as likely benign based on ACMG/AMP sequence variant interpretation guidelines (Richards et al. 2015 PMID: 25741868, with internal and published modifications).

Clinical Genetics DNA and cytogenetics Diagnostics Lab, Erasmus MC, Erasmus Medical Center
Classification: Likely benign. Review status: no assertion criteria provided. Collection method: clinical testing. Allele origin: germline. Affected: yes. Study: VKGL Data-share Consensus. Not counted in ClinVar's aggregate classification.

Department of Pathology and Laboratory Medicine, Sinai Health System
Classification: Uncertain significance. Review status: no assertion criteria provided. Collection method: clinical testing. Allele origin: unknown. Affected: yes. Study: The Canadian Open Genetics Repository (COGR). Not counted in ClinVar's aggregate classification.
Comment: The KMT2D p.Pro2146Leu variant was not identified in the literature nor was it identified in Cosmic or LOVD 3.0. The variant was identified in dbSNP (ID: rs563981206) and in ClinVar (classified as likely benign by Illumina Clinical Services Laboratory and Centre for Human Genetics for Kabuki syndrome). The variant was identified in 36 of 198952 chromosomes at a frequency of 0.000181 (Genome Aggregation Database Feb 27, 2017). The variant was observed in the following populations: Other in 3 of 5164 chromosomes (freq: 0.000581), European (non-Finnish) in 26 of 89568 chromosomes (freq: 0.00029), Latino in 6 of 25774 chromosomes (freq: 0.000233) and African in 1 of 20056 chromosomes (freq: 0.00005); it was not observed in the Ashkenazi Jewish, East Asian, European (Finnish) and South Asian populations. The variant occurs outside of the splicing consensus sequence and in silico or computational prediction software programs (SpliceSiteFinder, MaxEntScan, NNSPLICE, GeneSplicer) do not predict a difference in splicing. The p.Pro2146 residue is conserved in mammals but not in more distantly related organisms, and four out of five computational analyses (PolyPhen-2, SIFT, BLOSUM, MutationTaster) suggest that the variant may impact the protein; however, this information is not predictive enough to assume pathogenicity. In summary, based on the above information the clinical significance of this variant cannot be determined with certainty at this time. This variant is classified as a variant of uncertain significance.

Diagnostic Laboratory, Department of Genetics, University Medical Center Groningen
Classification: Likely benign. Review status: no assertion criteria provided. Collection method: clinical testing. Allele origin: germline. Affected: yes. Study: VKGL Data-share Consensus. Not counted in ClinVar's aggregate classification.

NM_003482.4(KMT2D):c.6437C>T (p.Pro2146Leu)

Gene: KMT2D (lysine methyltransferase 2D; minus strand). Cytogenetic location: 12q13.12.
Variant type: single nucleotide variant.
Coding change: c.6437C>T on transcript NM_003482.4 (MANE Select); coding-DNA position 6437, C replaced by T.
Protein change: p.Pro2146Leu; replaces proline 2146 with leucine.
Molecular consequence: missense variant.
Genome position (GRCh38, 1-based): chr12:49,041,333, G>A on the plus strand (C>T on the coding strand, the complement: KMT2D is on the minus strand). VCF-style: chr12-49041333-G-A. GRCh37 (hg19) VCF-style: chr12-49435116-G-A.
Other names: short protein forms P2146L.
Identifiers: ClinVar variation 309053 (VCV000309053.40), dbSNP rs563981206, ClinGen allele CA6547267.